The following is an entry in ClinVar:

NM_003283.6(TNNT1):c.94G>T (p.Val32Leu)

Gene: TNNT1 (troponin T1, slow skeletal type; minus strand). Cytogenetic location: 19q13.42.
Variant type: single nucleotide variant.
Coding change: c.94G>T on transcript NM_003283.6 (MANE Select); coding-DNA position 94, G replaced by T.
Protein change: p.Val32Leu; replaces valine 32 with leucine.
Molecular consequence: missense variant. On other transcripts: intron variant (2).
Genome position (GRCh38, 1-based): chr19:55,146,446, C>A on the plus strand (G>T on the coding strand, the complement: TNNT1 is on the minus strand). VCF-style: chr19-55146446-C-A. GRCh37 (hg19) VCF-style: chr19-55657814-C-A.
Other names: c.94G>T, p.Val32Leu (NM_001126132.3); c.73+235G>T (NM_001126133.3, NM_001291774.2); short protein forms V32L.
Identifiers: ClinVar variation 1489001 (VCV001489001.8), dbSNP rs779711295, ClinGen allele CA407438300.

ClinVar aggregate classification (germline): Uncertain significance (1 of 4 stars; one submission).

Conditions:
Nemaline myopathy 5 (NEM5A). Also called: NEMALINE MYOPATHY 5A, AUTOSOMAL RECESSIVE, SEVERE INFANTILE; NEMALINE MYOPATHY, AMISH TYPE; Nemaline myopathy 5, Amish type. Identifiers: Orphanet 98902, MedGen C1854380, MONDO:0011539, OMIM 605355.

Submission:

Labcorp Genetics (formerly Invitae), Labcorp
Classification: Uncertain significance for Nemaline myopathy 5. Last evaluated: 2022-02-03. Review status: criteria provided, single submitter. Criteria: Invitae Variant Classification Sherloc (09022015). Collection method: clinical testing. Allele origin: germline.
Comment: In summary, the available evidence is currently insufficient to determine the role of this variant in disease. Therefore, it has been classified as a Variant of Uncertain Significance. Algorithms developed to predict the effect of missense changes on protein structure and function output the following: SIFT: "Tolerated"; PolyPhen-2: "Not Available"; Align-GVGD: "Class C0". The leucine amino acid residue is found in multiple mammalian species, which suggests that this missense change does not adversely affect protein function. This variant has not been reported in the literature in individuals affected with TNNT1-related conditions. This variant is not present in population databases (gnomAD no frequency). This sequence change replaces valine, which is neutral and non-polar, with leucine, which is neutral and non-polar, at codon 32 of the TNNT1 protein (p.Val32Leu).